The following is an entry in ClinVar:

ClinVar aggregate classification (germline): Uncertain significance. Review status: criteria provided, single submitter (1 of 4 stars). 2 submissions from 2 submitters: Uncertain significance (1). 1 of the submissions does not count toward it. Last evaluated 2022-11-13.

Conditions:
AMER1-related disorder. Also called: AMER1-related condition.

Allele frequency attached by ClinVar (database versions not stated): ExAC 0.00001.
gnomAD v4.1: 1 of 1,211,978 alleles (0.000083%); no homozygotes.

Submissions (2):

Labcorp Genetics (formerly Invitae), Labcorp
Classification: Uncertain significance. Last evaluated: 2022-11-13. Review status: criteria provided, single submitter. Criteria: Invitae Variant Classification Sherloc (09022015). Collection method: clinical testing. Allele origin: germline.
Comment: In summary, the available evidence is currently insufficient to determine the role of this variant in disease. Therefore, it has been classified as a Variant of Uncertain Significance. Algorithms developed to predict the effect of missense changes on protein structure and function output the following: SIFT: "Tolerated"; PolyPhen-2: "Benign"; Align-GVGD: "Class C0". The alanine amino acid residue is found in multiple mammalian species, which suggests that this missense change does not adversely affect protein function. This variant has not been reported in the literature in individuals affected with AMER1-related conditions. This variant is present in population databases (rs765334366, gnomAD 0.001%), including at least one homozygous and/or hemizygous individual. This sequence change replaces proline, which is neutral and non-polar, with alanine, which is neutral and non-polar, at codon 751 of the AMER1 protein (p.Pro751Ala).

PreventionGenetics, part of Exact Sciences
Classification: Uncertain significance for AMER1-related condition. Last evaluated: 2024-03-11. Review status: no assertion criteria provided. Collection method: clinical testing. Allele origin: germline. Not counted in ClinVar's aggregate classification.
Comment: The AMER1 c.2251C>G variant is predicted to result in the amino acid substitution p.Pro751Ala. To our knowledge, this variant has not been reported in the literature. This variant is reported in 0.0012% of alleles in individuals of European (Non-Finnish) descent in gnomAD. At this time, the clinical significance of this variant is uncertain due to the absence of conclusive functional and genetic evidence.

NM_152424.4(AMER1):c.2251C>G (p.Pro751Ala)

Gene: AMER1 (APC membrane recruitment protein 1; minus strand). Cytogenetic location: Xq11.2.
Variant type: single nucleotide variant.
Coding change: c.2251C>G on transcript NM_152424.4 (MANE Select); coding-DNA position 2251, C replaced by G.
Protein change: p.Pro751Ala; replaces proline 751 with alanine.
Molecular consequence: missense variant.
Genome position (GRCh38, 1-based): chrX:64,191,036, G>C on the plus strand (C>G on the coding strand, the complement: AMER1 is on the minus strand). VCF-style: chrX-64191036-G-C. GRCh37 (hg19) VCF-style: chrX-63410916-G-C.
Other names: c.2251C>G (NM_152424.3); short protein forms P751A.
Identifiers: ClinVar variation 1968715 (VCV001968715.6), dbSNP rs765334366, ClinGen allele CA10432215.